The following is an entry in ClinVar:

ClinVar aggregate classification (germline): Likely benign. Review status: criteria provided, multiple submitters, no conflicts (2 of 4 stars). 2 submissions from 2 submitters: Likely benign (2). Last evaluated 2025-01-07.

Conditions:
ABCB4-related disorder. Also called: ABCB4-related disorders; ABCB4-related condition.

Allele frequency attached by ClinVar (database versions not stated): ExAC 0.00002.
gnomAD v4.1: 7 of 1,614,022 alleles (0.00043%); highest among the groups gnomAD compares: African/African-American, 0.0053%; no homozygotes.

Submissions (2):

PreventionGenetics, part of Exact Sciences
Classification: Likely benign for ABCB4-related condition. Last evaluated: 2025-01-07. Review status: criteria provided, single submitter. Criteria: ACMG Guidelines, 2015. Collection method: clinical testing. Allele origin: germline.
Comment: This variant is classified as likely benign based on ACMG/AMP sequence variant interpretation guidelines (Richards et al. 2015 PMID: 25741868, with internal and published modifications).

Labcorp Genetics (formerly Invitae), Labcorp
Classification: Likely benign. Last evaluated: 2023-10-04. Review status: criteria provided, single submitter. Criteria: Invitae Variant Classification Sherloc (09022015). Collection method: clinical testing. Allele origin: germline.

NM_000443.4(ABCB4):c.762C>T (p.Ala254=)

Gene: ABCB4 (ATP binding cassette subfamily B member 4; minus strand). Cytogenetic location: 7q21.12.
Variant type: single nucleotide variant.
Coding change: c.762C>T on transcript NM_000443.4 (MANE Select); coding-DNA position 762, C replaced by T.
Protein change: p.Ala254=; no amino-acid change (alanine 254 retained).
Molecular consequence: synonymous variant.
Genome position (GRCh38, 1-based): chr7:87,450,039, G>A on the plus strand (C>T on the coding strand, the complement: ABCB4 is on the minus strand). VCF-style: chr7-87450039-G-A. GRCh37 (hg19) VCF-style: chr7-87079355-G-A.
Other names: c.762C>T (NM_000443.3); c.762C>T, p.Ala254= (NM_018849.3, NM_018850.3).
Identifiers: ClinVar variation 3003957 (VCV003003957.4), dbSNP rs747537137, ClinGen allele CA4327464.